The following is an entry in ClinVar:

NM_182961.4(SYNE1):c.21659G>A (p.Trp7220Ter)

Gene: SYNE1 (spectrin repeat containing nuclear envelope protein 1; minus strand). Cytogenetic location: 6q25.2.
Variant type: single nucleotide variant.
Coding change: c.21659G>A on transcript NM_182961.4 (MANE Select); coding-DNA position 21659, G replaced by A.
Protein change: p.Trp7220Ter; replaces tryptophan 7220 with a stop codon.
Molecular consequence: nonsense.
Genome position (GRCh38, 1-based): chr6:152,221,044, C>T on the plus strand (G>A on the coding strand, the complement: SYNE1 is on the minus strand). VCF-style: chr6-152221044-C-T. GRCh37 (hg19) VCF-style: chr6-152542179-C-T.
Other names: c.21446G>A, p.Trp7149Ter (NM_033071.5); short protein forms W7149*, W7220*.
Identifiers: ClinVar variation 2690760 (VCV002690760.3), dbSNP rs960281682, ClinGen allele CA150182159.
Genomic context (GRCh38, chr6:152,221,044, plus strand): 5'-AGCTGAAGTAGGGCCTTGCTGGACTGTAGCTGCTCAGCAATCTCTTCCAGCAAGTTATTC[C>T]ATCTGGAAATAATAACCAACACTCATGAGCAGATTACCACCTCTCACCAAATGTGGATAT-3'

ClinVar aggregate classification (germline): Pathogenic/Likely pathogenic. Review status: criteria provided, multiple submitters, no conflicts (2 of 4 stars). 2 submissions from 2 submitters: Pathogenic (1); Likely pathogenic (1). Last evaluated 2025-07-02.

Conditions:
Emery-Dreifuss muscular dystrophy 4, autosomal dominant (EDMD4). Also called: EMERY-DREIFUSS MUSCULAR DYSTROPHY 4 WITH VARIABLE FEATURES. Identifiers: Orphanet 261, MedGen C2751807, MONDO:0013071, OMIM 612998.
Autosomal recessive ataxia, Beauce type. Also called: Spinocerebellar ataxia, autosomal recessive 8; ATAXIA, RECESSIVE, OF BEAUCE; SYNE1-Related Autosomal Recessive Cerebellar Ataxia; SYNE1 Deficiency. Identifiers: Orphanet 88644, MedGen C1853116, MONDO:0012549, OMIM 610743.

Allele frequency attached by ClinVar (database versions not stated): gnomAD exomes below 0.00001.
gnomAD v4.1: 2 of 1,614,036 alleles (0.00012%); highest among the groups gnomAD compares: Non-Finnish European, 0.00017%; no homozygotes.

Submissions (2):

Labcorp Genetics (formerly Invitae), Labcorp
Classification: Pathogenic for Emery-Dreifuss muscular dystrophy 4, autosomal dominant; Autosomal recessive ataxia, Beauce type. Last evaluated: 2025-07-02. Review status: criteria provided, single submitter. Criteria: Invitae Variant Classification Sherloc (09022015). Collection method: clinical testing. Allele origin: germline.
Comment: This sequence change creates a premature translational stop signal (p.Trp7149*) in the SYNE1 gene. It is expected to result in an absent or disrupted protein product. Loss-of-function variants in SYNE1 are known to be pathogenic (PMID: 19542096, 24319099, 27086870). This variant is not present in population databases (gnomAD no frequency). This variant has not been reported in the literature in individuals affected with SYNE1-related conditions. ClinVar contains an entry for this variant (Variation ID: 2690760). Algorithms developed to predict the effect of sequence changes on RNA splicing suggest that this variant may create or strengthen a splice site. For these reasons, this variant has been classified as Pathogenic.

Revvity Omics, Revvity
Classification: Likely pathogenic. Last evaluated: 2023-06-29. Review status: criteria provided, single submitter. Criteria: ACMG Guidelines, 2015. Collection method: clinical testing. Allele origin: germline.

Literature cited by the submitters: PubMed 19542096 (cited by Labcorp Genetics (formerly Invitae), Labcorp); PubMed 24319099 (cited by Labcorp Genetics (formerly Invitae), Labcorp); PubMed 27086870 (cited by Labcorp Genetics (formerly Invitae), Labcorp).